The following is an entry in ClinVar:

ClinVar aggregate classification (germline): Pathogenic. Review status: criteria provided, multiple submitters, no conflicts (2 of 4 stars). 8 submissions from 7 submitters: Pathogenic (3). 5 of the submissions do not count toward it. Last evaluated 2024-02-14.

Conditions:
ABCA4-related disorder. Also called: ABCA4-related disorders; ABCA4-related condition. Identifiers: MedGen CN239167.
Retinitis pigmentosa (RP). Identifiers: Orphanet 791, MedGen C0035334, MeSH D012174, MONDO:0019200, OMIM 268000. Inheritance: Autosomal dominant, autosomal recessive and X linked inheritance.
Retinitis pigmentosa 19 (RP19). Also called: ABCA4-Related Retinitis Pigmentosa. Identifiers: Orphanet 791, MedGen C1866422, MONDO:0011137, OMIM 601718.
Cone-rod dystrophy 3 (CORD3). Identifiers: Orphanet 1872, MedGen C1858806, MONDO:0011395, OMIM 604116.

Submissions (8):

Blueprint Genetics
Classification: Pathogenic for ABCA4-related disorders. Last evaluated: 2024-02-14. Review status: criteria provided, single submitter. Criteria: ACMG Guidelines, 2015. Collection method: clinical testing. Allele origin: germline. Affected: yes. Observed: 1 variant allele.

Labcorp Genetics (formerly Invitae), Labcorp
Classification: Pathogenic. Last evaluated: 2023-09-27. Review status: criteria provided, single submitter. Criteria: Invitae Variant Classification Sherloc (09022015). Collection method: clinical testing. Allele origin: germline.
Comment: This sequence change affects a donor splice site in intron 30 of the ABCA4 gene. It is expected to disrupt RNA splicing. Variants that disrupt the donor or acceptor splice site typically lead to a loss of protein function (PMID: 16199547), and loss-of-function variants in ABCA4 are known to be pathogenic (PMID: 10958761, 24938718, 25312043, 26780318). This variant is not present in population databases (gnomAD no frequency). Disruption of this splice site has been observed in individual(s) with Stargardt disease, cone-rod dystrophy, or retinitis pigmentosa (PMID: 9466990). In at least one individual the data is consistent with being in trans (on the opposite chromosome) from a pathogenic variant. It has also been observed to segregate with disease in related individuals. ClinVar contains an entry for this variant (Variation ID: 99294). Algorithms developed to predict the effect of sequence changes on RNA splicing suggest that this variant may disrupt the consensus splice site. For these reasons, this variant has been classified as Pathogenic.

Broad Center for Mendelian Genomics, Broad Institute of MIT and Harvard
Classification: Pathogenic for Retinitis pigmentosa. Last evaluated: 2021-04-01. Review status: criteria provided, single submitter. Criteria: ACMG Guidelines, 2015. Collection method: curation. Allele origin: germline. Inheritance: Autosomal recessive inheritance. Affected: yes.
Comment: Through a review of available evidence we were able to apply the following criteria: PVS1, PM2, PM3-P. Based on this evidence we have classified this variant as Pathogenic. If you have any questions about the classification please reach out to the Pierce Lab.

OMIM
Classification: Pathogenic for RETINITIS PIGMENTOSA 19. Last evaluated: 1998-03-01. Review status: no assertion criteria provided. Collection method: literature only. Allele origin: germline. Not counted in ClinVar's aggregate classification.

OMIM
Classification: Pathogenic for CONE-ROD DYSTROPHY 3. Last evaluated: 1998-03-01. Review status: no assertion criteria provided. Collection method: literature only. Allele origin: germline. Not counted in ClinVar's aggregate classification.

Clinical Genetics, Academic Medical Center
Classification: Pathogenic. Review status: no assertion criteria provided. Collection method: clinical testing. Allele origin: germline. Affected: yes. Study: VKGL Data-share Consensus. Not counted in ClinVar's aggregate classification.

Joint Genome Diagnostic Labs from Nijmegen and Maastricht, Radboudumc and MUMC+
Classification: Pathogenic. Review status: no assertion criteria provided. Collection method: clinical testing. Allele origin: germline. Affected: yes. Study: VKGL Data-share Consensus. Not counted in ClinVar's aggregate classification.

Retina International
No classification provided. Review status: no classification provided. Collection method: not provided. Allele origin: not provided. Not counted in ClinVar's aggregate classification.

Literature cited by the submitters: PubMed 16199547 (cited by Labcorp Genetics (formerly Invitae), Labcorp); PubMed 10958761 (cited by Labcorp Genetics (formerly Invitae), Labcorp); PubMed 24938718 (cited by Labcorp Genetics (formerly Invitae), Labcorp); PubMed 25312043 (cited by Labcorp Genetics (formerly Invitae), Labcorp); PubMed 26780318 (cited by Labcorp Genetics (formerly Invitae), Labcorp); PubMed 9466990 (cited by 3 submitters); PubMed 34906470 (cited by Broad Center for Mendelian Genomics, Broad Institute of MIT and Harvard).

NM_000350.3(ABCA4):c.4539+1G>T

Gene: ABCA4 (ATP binding cassette subfamily A member 4; minus strand). Cytogenetic location: 1p22.1.
Variant type: single nucleotide variant.
Coding change: c.4539+1G>T on transcript NM_000350.3 (MANE Select); the canonical splice donor site of the intron after coding-DNA position 4539, G replaced by T.
Molecular consequence: splice donor variant.
Genome position (GRCh38, 1-based): chr1:94,029,444, C>A on the plus strand (G>T on the coding strand, the complement: ABCA4 is on the minus strand). VCF-style: chr1-94029444-C-A. GRCh37 (hg19) VCF-style: chr1-94495000-C-A.
Other names: IVS30DS, G-T, +1.
Identifiers: ClinVar variation 99294 (VCV000099294.12), dbSNP rs61751388, ClinGen allele CA227207.